The following is an entry in ClinVar:

NM_004589.4(SCO1):c.5C>A (p.Ala2Glu)

Genes: SCO1 (synthesis of cytochrome C oxidase 1; minus strand), LOC112529895 (Sharpr-MPRA regulatory region 5903; plus strand). Cytogenetic location: 17p13.1.
Variant type: single nucleotide variant.
Coding change: c.5C>A on transcript NM_004589.4 (MANE Select); coding-DNA position 5, C replaced by A.
Protein change: p.Ala2Glu; replaces alanine 2 with glutamic acid.
Molecular consequence: missense variant.
Genome position (GRCh38, 1-based): chr17:10,697,503, G>T on the plus strand (C>A on the coding strand, the complement: SCO1 is on the minus strand). VCF-style: chr17-10697503-G-T. GRCh37 (hg19) VCF-style: chr17-10600820-G-T.
Other names: short protein forms A2E.
Identifiers: ClinVar variation 440960 (VCV000440960.21), dbSNP rs147487151, ClinGen allele CA8393741.

ClinVar aggregate classification (germline): Uncertain significance. Review status: criteria provided, multiple submitters, no conflicts (2 of 4 stars). 8 submissions from 7 submitters: Uncertain significance (8). Last evaluated 2026-01-19.

Conditions:
Leigh syndrome (NULS). Also called: Leigh's necrotizing encephalopathy; Leigh's disease; Leigh's syndrome; Leigh Disease; Subacute necrotizing encephalopathy; Necrotizing encephalopathy infantile subacute of Leigh. Identifiers: Orphanet 506, MedGen C2931891, MONDO:0009723, OMIM 256000.
Mitochondrial complex IV deficiency, nuclear type 1 (MC4DN1). Also called: COX DEFICIENCY; Mitochondrial complex IV deficiency; Complex 4 mitochondrial respiratory chain deficiency; Deficiency of mitochondrial respiratory chain complex4; Complex IV deficiency. Identifiers: MedGen C5435656, MONDO:0700250, OMIM 220110. Disease mechanism: loss of function.
Infantile encephalopathy. Identifiers: MedGen C1856408, HP:0007105.
Mitochondrial complex IV deficiency, nuclear type 4. Also called: Mitochondrial complex 4 deficiency, nuclear type 4. Identifiers: MedGen C5436683, MONDO:0033636, OMIM 619048.

Allele frequency attached by ClinVar (database versions not stated): TOPMed 0.00058; 1000 Genomes Project 0.00060; ESP Exome Variant Server 0.00085; gnomAD 0.00032; 1000 Genomes Project 30x 0.00047.
gnomAD v4.1: 920 of 1,613,314 alleles (0.057%); highest among the groups gnomAD compares: Non-Finnish European, 0.07%; no homozygotes.

Submissions (8):

Labcorp Genetics (formerly Invitae), Labcorp
Classification: Uncertain significance. Last evaluated: 2026-01-19. Review status: criteria provided, single submitter. Criteria: Invitae Variant Classification Sherloc (09022015). Collection method: clinical testing. Allele origin: germline.
Comment: This sequence change replaces alanine, which is neutral and non-polar, with glutamic acid, which is acidic and polar, at codon 2 of the SCO1 protein (p.Ala2Glu). This variant is present in population databases (rs147487151, gnomAD 0.04%). This variant has not been reported in the literature in individuals affected with SCO1-related conditions. ClinVar contains an entry for this variant (Variation ID: 440960). An algorithm developed to predict the effect of missense changes on protein structure and function (PolyPhen-2) suggests that this variant is likely to be disruptive. In summary, the available evidence is currently insufficient to determine the role of this variant in disease. Therefore, it has been classified as a Variant of Uncertain Significance.

CeGaT Center for Human Genetics Tuebingen
Classification: Uncertain significance. Last evaluated: 2025-10-01. Review status: criteria provided, single submitter. Criteria: CeGaT Center For Human Genetics Tuebingen Variant Classification Criteria Version 2. Collection method: clinical testing. Allele origin: germline. Affected: yes. Observed: 1 variant allele.
Comment: SCO1: PM2:Supporting

GeneDx
Classification: Uncertain significance. Last evaluated: 2025-09-08. Review status: criteria provided, single submitter. Criteria: GeneDx Variant Classification Process June 2021. Collection method: clinical testing. Allele origin: germline.
Comment: In silico analysis suggests that this missense variant does not alter protein structure/function; Has not been previously published as pathogenic or benign to our knowledge

Blueprint Genetics
Classification: Uncertain significance. Last evaluated: 2024-11-19. Review status: criteria provided, single submitter. Criteria: ACMG Guidelines, 2015. Collection method: clinical testing. Allele origin: germline.

Fulgent Genetics
Classification: Uncertain significance for Mitochondrial complex IV deficiency, nuclear type 4. Last evaluated: 2024-01-05. Review status: criteria provided, single submitter. Criteria: ACMG Guidelines, 2015. Collection method: clinical testing. Allele origin: germline.

Baylor Genetics
Classification: Uncertain significance for Mitochondrial complex IV deficiency, nuclear type 1. Last evaluated: 2019-11-26. Review status: criteria provided, single submitter. Criteria: ACMG Guidelines, 2015. Collection method: clinical testing. Allele origin: unknown. Affected: yes.
Comment: This variant was determined to be of uncertain significance according to ACMG Guidelines, 2015 [PMID:25741868].

Illumina Laboratory Services, Illumina
Classification: Uncertain significance for Mitochondrial complex IV deficiency, nuclear type 1. Last evaluated: 2017-04-27. Review status: criteria provided, single submitter. Criteria: ICSL Variant Classification Criteria 13 December 2019. Collection method: clinical testing. Allele origin: germline.

Illumina Laboratory Services, Illumina
Classification: Uncertain significance for Leigh syndrome. Last evaluated: 2017-04-27. Review status: criteria provided, single submitter. Criteria: ICSL Variant Classification Criteria 13 December 2019. Collection method: clinical testing. Allele origin: germline.